The following is an entry in ClinVar:

ClinVar aggregate classification (germline): Uncertain significance (1 of 4 stars; one submission).

Allele frequency attached by ClinVar (database versions not stated): 1000 Genomes Project 30x 0.00016; 1000 Genomes Project 0.00020.
gnomAD v4.1: 5 of 1,613,658 alleles (0.00031%); highest among the groups gnomAD compares: South Asian, 0.0055%; no homozygotes.

Submission:

Labcorp Genetics (formerly Invitae), Labcorp
Classification: Uncertain significance. Last evaluated: 2024-01-24. Review status: criteria provided, single submitter. Criteria: Invitae Variant Classification Sherloc (09022015). Collection method: clinical testing. Allele origin: germline.
Comment: This sequence change replaces lysine, which is basic and polar, with threonine, which is neutral and polar, at codon 621 of the SLC24A1 protein (p.Lys621Thr). This variant is present in population databases (rs563141376, gnomAD 0.01%). This variant has not been reported in the literature in individuals affected with SLC24A1-related conditions. ClinVar contains an entry for this variant (Variation ID: 1062912). An algorithm developed to predict the effect of missense changes on protein structure and function (PolyPhen-2) suggests that this variant is likely to be disruptive. In summary, the available evidence is currently insufficient to determine the role of this variant in disease. Therefore, it has been classified as a Variant of Uncertain Significance.

NM_004727.3(SLC24A1):c.1862A>C (p.Lys621Thr)

Gene: SLC24A1 (solute carrier family 24 member 1; plus strand). Cytogenetic location: 15q22.31.
Variant type: single nucleotide variant.
Coding change: c.1862A>C on transcript NM_004727.3 (MANE Select); coding-DNA position 1862, A replaced by C.
Protein change: p.Lys621Thr; replaces lysine 621 with threonine.
Molecular consequence: missense variant.
Genome position (GRCh38, 1-based): chr15:65,625,942, A>C. VCF-style: chr15-65625942-A-C. GRCh37 (hg19) VCF-style: chr15-65918280-A-C.
Other names: c.1862A>C, p.Lys621Thr (NM_001301031.1, NM_001301032.1, NM_001301033.2); short protein forms K621T.
Identifiers: ClinVar variation 1062912 (VCV001062912.9), dbSNP rs563141376, ClinGen allele CA7619981.